The following is an entry in ClinVar:

ClinVar aggregate classification (germline): Uncertain significance (1 of 4 stars; one submission).

Conditions:
Wilson disease (WND). Also called: Wilson's disease. Identifiers: Orphanet 905, MedGen C0019202, MONDO:0010200, OMIM 277900. Disease mechanism: loss of function.

Allele frequency attached by ClinVar (database versions not stated): TOPMed below 0.00001.

Submission:

Labcorp Genetics (formerly Invitae), Labcorp
Classification: Uncertain significance for Wilson disease. Last evaluated: 2021-08-31. Review status: criteria provided, single submitter. Criteria: Invitae Variant Classification Sherloc (09022015). Collection method: clinical testing. Allele origin: germline.
Comment: This sequence change falls in intron 7 of the ATP7B gene. It does not directly change the encoded amino acid sequence of the ATP7B protein. It affects a nucleotide within the consensus splice site of the intron. This variant is not present in population databases (ExAC no frequency). This variant has not been reported in the literature in individuals affected with ATP7B-related conditions. Variants that disrupt the consensus splice site are a relatively common cause of aberrant splicing (PMID: 17576681, 9536098). Algorithms developed to predict the effect of sequence changes on RNA splicing suggest that this variant may disrupt the consensus splice site. In summary, the available evidence is currently insufficient to determine the role of this variant in disease. Therefore, it has been classified as a Variant of Uncertain Significance.

Literature cited by the submitters: PubMed 17576681; PubMed 9536098.

NM_000053.4(ATP7B):c.2122-3C>G

Gene: ATP7B (ATPase copper transporting beta; minus strand). Cytogenetic location: 13q14.3.
Variant type: single nucleotide variant.
Coding change: c.2122-3C>G on transcript NM_000053.4 (MANE Select); 3 bases into the intron before coding-DNA position 2122, C replaced by G.
Molecular consequence: intron variant.
Genome position (GRCh38, 1-based): chr13:51,958,547, G>C on the plus strand (C>G on the coding strand, the complement: ATP7B is on the minus strand). VCF-style: chr13-51958547-G-C. GRCh37 (hg19) VCF-style: chr13-52532683-G-C.
Other names: c.1789-3C>G (NM_001243182.2); c.1870-940C>G (NM_001005918.3); c.1870-3C>G (NM_001330579.2); c.2122-940C>G (NM_001330578.2).
Identifiers: ClinVar variation 1002793 (VCV001002793.6), dbSNP rs1593726901, ClinGen allele CA2091550260.